The following is an entry in ClinVar:

ClinVar aggregate classification (germline): Conflicting classifications of pathogenicity. Review status: criteria provided, conflicting classifications (1 of 4 stars). 4 submissions from 4 submitters: Uncertain significance (3); Likely benign (1). Last evaluated 2025-11-24.

Conditions:
Autosomal dominant slowed nerve conduction velocity. Identifiers: Orphanet 140481, MedGen C1842357, MONDO:0011998, OMIM 608236.

Allele frequency attached by ClinVar (database versions not stated): ESP Exome Variant Server 0.00023; 1000 Genomes Project 30x 0.00031; 1000 Genomes Project 0.00040; TOPMed 0.00040; gnomAD 0.00043 and 0.00044; gnomAD exomes 0.00044 and 0.00065; ExAC 0.00048.
gnomAD v4.1: 989 of 1,614,240 alleles (0.061%); highest among the groups gnomAD compares: Non-Finnish European, 0.074%; 1 homozygote.

Submissions (4):

Labcorp Genetics (formerly Invitae), Labcorp
Classification: Uncertain significance. Last evaluated: 2025-11-24. Review status: criteria provided, single submitter. Criteria: Invitae Variant Classification Sherloc (09022015). Collection method: clinical testing. Allele origin: germline.
Comment: This sequence change replaces glutamic acid, which is acidic and polar, with glycine, which is neutral and non-polar, at codon 1033 of the ARHGEF10 protein (p.Glu1033Gly). This variant is present in population databases (rs189989926, gnomAD 0.07%), and has an allele count higher than expected for a pathogenic variant. This missense change has been observed in individual(s) with clinical features of ARHGEF10-related conditions (PMID: 29653220). ClinVar contains an entry for this variant (Variation ID: 1163296). Invitae Evidence Modeling of protein sequence and biophysical properties (such as structural, functional, and spatial information, amino acid conservation, physicochemical variation, residue mobility, and thermodynamic stability) indicates that this missense variant is not expected to disrupt ARHGEF10 protein function with a negative predictive value of 80%. In summary, the available evidence is currently insufficient to determine the role of this variant in disease. Therefore, it has been classified as a Variant of Uncertain Significance.

Blueprint Genetics
Classification: Likely benign. Last evaluated: 2024-11-17. Review status: criteria provided, single submitter. Criteria: ACMG Guidelines, 2015. Collection method: clinical testing. Allele origin: germline.

Fulgent Genetics
Classification: Uncertain significance for Autosomal dominant slowed nerve conduction velocity. Last evaluated: 2024-06-18. Review status: criteria provided, single submitter. Criteria: ACMG Guidelines, 2015. Collection method: clinical testing. Allele origin: germline.

Mayo Clinic Laboratories, Mayo Clinic
Classification: Uncertain significance. Last evaluated: 2022-11-03. Review status: criteria provided, single submitter. Criteria: ACMG Guidelines, 2015. Collection method: clinical testing. Allele origin: germline. Observed: 10 variant alleles.

Literature cited by the submitters: PubMed 29653220 (cited by Labcorp Genetics (formerly Invitae), Labcorp).

NM_014629.4(ARHGEF10):c.3098A>G (p.Glu1033Gly)

Gene: ARHGEF10 (Rho guanine nucleotide exchange factor 10; plus strand). Cytogenetic location: 8p23.3.
Variant type: single nucleotide variant.
Coding change: c.3098A>G on transcript NM_014629.4 (MANE Select); coding-DNA position 3098, A replaced by G.
Protein change: p.Glu1033Gly; replaces glutamic acid 1033 with glycine.
Molecular consequence: missense variant.
Genome position (GRCh38, 1-based): chr8:1,933,818, A>G. VCF-style: chr8-1933818-A-G. GRCh37 (hg19) VCF-style: chr8-1881984-A-G.
Other names: c.2984A>G, p.Glu995Gly (NM_001308152.2); c.3098A>G, p.Glu1033Gly (NM_001308153.3); short protein forms E1033G, E1057G, E995G.
Identifiers: ClinVar variation 1163296 (VCV001163296.12), dbSNP rs189989926, ClinGen allele CA4601218.